The following is an entry in ClinVar:

NM_001042492.3(NF1):c.2178_2179del (p.Val728fs)

Gene: NF1 (neurofibromin 1; plus strand). Cytogenetic location: 17q11.2.
Variant type: Microsatellite.
Coding change: c.2178_2179del on transcript NM_001042492.3 (MANE Select); coding-DNA positions 2178 to 2179, 2 bases deleted (GT; older notation c.2178_2179delGT).
Protein change: p.Val728fs; shifts the reading frame from valine 728.
Molecular consequence: frameshift variant.
Genome position (GRCh38, 1-based): chr17:31,226,611-31,226,612, GT deleted; deleting any 2 consecutive bases within chr17:31,226,609-31,226,612 gives the same sequence; the c. name uses the placement nearest the transcript's 3' end. VCF-style (leftmost placement, unchanged base first): chr17-31226608-AGT-A. GRCh37 (hg19) VCF-style: chr17-29553626-AGT-A.
Other names: c.2178_2179del, p.Val728fs (NM_000267.4); short protein forms V728fs.
Identifiers: ClinVar variation 4717105 (VCV004717105.1).

ClinVar aggregate classification (germline): Pathogenic (1 of 4 stars; one submission).

Conditions:
Neurofibromatosis, type 1 (NF1). Also called: NEUROFIBROMATOSIS, TYPE I, SOMATIC; VON RECKLINGHAUSEN DISEASE; Peripheral type neurofibromatosis; Neurofibromatosis, type I. Identifiers: Orphanet 636, MedGen C0027831, MONDO:0018975, OMIM 162200. Disease mechanism: loss of function.

Submission:

Labcorp Genetics (formerly Invitae), Labcorp
Classification: Pathogenic for Neurofibromatosis, type 1. Last evaluated: 2025-04-10. Review status: criteria provided, single submitter. Criteria: Invitae Variant Classification Sherloc (09022015). Collection method: clinical testing. Allele origin: germline.
Comment: This sequence change creates a premature translational stop signal (p.Val728Alafs*2) in the NF1 gene. It is expected to result in an absent or disrupted protein product. Loss-of-function variants in NF1 are known to be pathogenic (PMID: 10712197, 23913538). This variant is not present in population databases (gnomAD no frequency). This variant has not been reported in the literature in individuals affected with NF1-related conditions. For these reasons, this variant has been classified as Pathogenic.

Literature cited by the submitters: PubMed 10712197; PubMed 23913538.